The following is an entry in ClinVar:

ClinVar aggregate classification (germline): Benign/Likely benign. Review status: criteria provided, multiple submitters, no conflicts (2 of 4 stars). 3 submissions from 3 submitters: Benign (2); Likely benign (1). Last evaluated 2021-05-11.

Conditions:
Hypohidrotic ectodermal dysplasia (HED). Identifiers: Orphanet 238468, MedGen C5848103, MONDO:0016535, HP:0007607.

Allele frequency attached by ClinVar (database versions not stated): 1000 Genomes Project 0.13778; 1000 Genomes Project 30x 0.13507; TOPMed 0.17211; gnomAD 0.17627 and 0.17876.
gnomAD v4.1: 360,502 of 1,601,532 alleles (23%); highest among the groups gnomAD compares: Middle Eastern, 28%; 43,830 homozygotes.

Submissions (3):

GeneDx
Classification: Benign. Last evaluated: 2021-05-11. Review status: criteria provided, single submitter. Criteria: GeneDx Variant Classification Process June 2021. Collection method: clinical testing. Allele origin: germline. Affected: yes.

Illumina Laboratory Services, Illumina
Classification: Benign for Hypohidrotic ectodermal dysplasia. Last evaluated: 2018-01-13. Review status: criteria provided, single submitter. Criteria: ICSL Variant Classification Criteria 13 December 2019. Collection method: clinical testing. Allele origin: germline.
Comment: This variant was observed in the ICSL laboratory as part of a predisposition screen in an ostensibly healthy population. It had not been previously curated by ICSL or reported in the Human Gene Mutation Database (HGMD: prior to June 1st, 2018), and was therefore a candidate for classification through an automated scoring system. Utilizing variant allele frequency, disease prevalence and penetrance estimates, and inheritance mode, an automated score was calculated to assess if this variant is too frequent to cause the disease. Based on the score and internal cut-off values, a variant classified as benign is not then subjected to further curation. The score for this variant resulted in a classification of benign for this disease.

Breakthrough Genomics
Classification: Likely benign. Review status: criteria provided, single submitter. Criteria: ACMG Guidelines, 2015. Collection method: not provided. Allele origin: germline. Inheritance: Autosomal recessive inheritance. Affected: yes.

NM_145861.4(EDARADD):c.*1787C>T

Gene: EDARADD (EDAR associated via death domain; plus strand). Cytogenetic location: 1q43.
Variant type: single nucleotide variant.
Coding change: c.*1787C>T on transcript NM_145861.4 (MANE Select); 1787 bases downstream of the stop codon, C replaced by T.
Molecular consequence: 3 prime UTR variant.
Genome position (GRCh38, 1-based): chr1:236,484,436, C>T. VCF-style: chr1-236484436-C-T. GRCh37 (hg19) VCF-style: chr1-236647736-C-T.
Other names: c.*1787C>T (NM_001422628.1, NM_080738.5).
Identifiers: ClinVar variation 296481 (VCV000296481.9), dbSNP rs6428955, ClinGen allele CA10609431.